The following is an entry in ClinVar:

ClinVar aggregate classification (germline): Uncertain significance (0 of 4 stars; one submission).

Conditions:
ARFGEF1-related disorder. Also called: ARFGEF1-related condition.

Submission:

PreventionGenetics, part of Exact Sciences
Classification: Uncertain significance for ARFGEF1-related condition. Last evaluated: 2024-08-16. Review status: no assertion criteria provided. Collection method: clinical testing. Allele origin: germline.
Comment: The ARFGEF1 c.4923T>A variant is predicted to result in the amino acid substitution p.Ser1641Arg. To our knowledge, this variant has not been reported in the literature or in a large population database, indicating this variant is rare. At this time, the clinical significance of this variant is uncertain due to the absence of conclusive functional and genetic evidence.

NM_006421.5(ARFGEF1):c.4923T>A (p.Ser1641Arg)

Gene: ARFGEF1 (ARF guanine nucleotide exchange factor 1; minus strand). Cytogenetic location: 8q13.2.
Variant type: single nucleotide variant.
Coding change: c.4923T>A on transcript NM_006421.5 (MANE Select); coding-DNA position 4923, T replaced by A.
Protein change: p.Ser1641Arg; replaces serine 1641 with arginine.
Molecular consequence: missense variant. On other transcripts: non-coding transcript variant (1).
Genome position (GRCh38, 1-based): chr8:67,204,716, A>T on the plus strand (T>A on the coding strand, the complement: ARFGEF1 is on the minus strand). VCF-style: chr8-67204716-A-T. GRCh37 (hg19) VCF-style: chr8-68116951-A-T.
Other names: c.4923T>A, p.Ser1641Arg (NM_001413184.1, NM_001413187.1, NM_001413194.1); c.4905T>A, p.Ser1635Arg (NM_001413185.1, NM_001413186.1, NM_001413189.1); c.4323T>A, p.Ser1441Arg (NM_001413188.1, NM_001413197.1); c.4917T>A, p.Ser1639Arg (NM_001413190.1); c.4827T>A, p.Ser1609Arg (NM_001413191.1); c.4809T>A, p.Ser1603Arg (NM_001413192.1); c.4305T>A, p.Ser1435Arg (NM_001413193.1); c.3498T>A, p.Ser1166Arg (NM_001413196.1); short protein forms S1166R, S1435R, S1441R, S1603R, S1609R, S1635R, S1639R, S1641R.
Identifiers: ClinVar variation 3346666 (VCV003346666.1).
Genomic context (GRCh38, chr8:67,204,716, plus strand): 5'-GCAGCTGTCCTCCTATCTCCTTACCTGTGCTGCAGCTAAGTTTTCTGCATCTTCTTTCTT[A>T]CTTGTGGCTGGGAAGAAGACAATGTTGTCGATAGTCTGGATGAGTTCCAGCTGCACAACA-3'
Protein context (NP_006412.2, residues 1631-1651): IDNIVFFPAT[Ser1641Arg]KKEDAENLAA